The following is an entry in ClinVar:

NM_022336.4(EDAR):c.983del (p.Lys328fs)

Genes: EDAR (ectodysplasin A receptor; minus strand), RANBP2 (RAN binding protein 2; plus strand). Cytogenetic location: 2q13.
Variant type: Deletion.
Coding change: c.983del on transcript NM_022336.4 (MANE Select); coding-DNA position 983, one base deleted (A; older notation c.983delA).
Protein change: p.Lys328fs; shifts the reading frame from lysine 328.
Molecular consequence: frameshift variant.
Genome position (GRCh38, 1-based): chr2:108,906,349, T deleted on the plus strand (A on the coding strand, the reverse complement: EDAR is on the minus strand); the first of 5 consecutive T bases (chr2:108,906,349-108,906,353); deleting any one gives the same sequence. VCF-style (leftmost placement, unchanged base first): chr2-108906348-CT-C. GRCh37 (hg19) VCF-style: chr2-109522804-CT-C.
Other names: short protein forms K328fs.
Identifiers: ClinVar variation 4786258 (VCV004786258.1).

ClinVar aggregate classification (germline): Pathogenic (1 of 4 stars; one submission).

Conditions:
Ectodermal dysplasia 10A, hypohidrotic/hair/nail type, autosomal dominant (ECTD10A). Also called: Ectodermal Dysplasia 3, Anhidrotic. Identifiers: Orphanet 1810, Orphanet 238468, MedGen C3888065, MONDO:0007509, OMIM 129490.
Autosomal recessive hypohidrotic ectodermal dysplasia syndrome. Also called: Autosomal recessive hypohidrotic ectodermal dysplasia. Identifiers: Orphanet 248, MedGen C0406702, MONDO:0016619.

Submission:

Labcorp Genetics (formerly Invitae), Labcorp
Classification: Pathogenic for Ectodermal dysplasia 10A, hypohidrotic/hair/nail type, autosomal dominant; Autosomal recessive hypohidrotic ectodermal dysplasia syndrome. Last evaluated: 2025-09-28. Review status: criteria provided, single submitter. Criteria: Invitae Variant Classification Sherloc (09022015). Collection method: clinical testing. Allele origin: germline.
Comment: This sequence change creates a premature translational stop signal (p.Lys328Argfs*44) in the EDAR gene. While this is not anticipated to result in nonsense mediated decay, it is expected to disrupt the last 121 amino acid(s) of the EDAR protein. This variant is not present in population databases (gnomAD no frequency). This variant has not been reported in the literature in individuals affected with EDAR-related conditions. This variant disrupts a region of the EDAR protein in which other variant(s) (p.Arg358Gln) have been determined to be pathogenic (PMID: 19438931, 21876339, 23991204). This suggests that this is a clinically significant region of the protein, and that variants that disrupt it are likely to be disease-causing. For these reasons, this variant has been classified as Pathogenic.

Literature cited by the submitters: PubMed 19438931; PubMed 21876339; PubMed 23991204.